The following is an entry in ClinVar:

ClinVar aggregate classification (germline): Uncertain significance (1 of 4 stars; one submission).

Conditions:
Familial cold autoinflammatory syndrome 2 (FCAS2). Identifiers: Orphanet 247868, MedGen C2673198, MONDO:0012724, OMIM 611762.

Submission:

Labcorp Genetics (formerly Invitae), Labcorp
Classification: Uncertain significance for Familial cold autoinflammatory syndrome 2. Last evaluated: 2025-05-15. Review status: criteria provided, single submitter. Criteria: Invitae Variant Classification Sherloc (09022015). Collection method: clinical testing. Allele origin: germline.
Comment: This sequence change creates a premature translational stop signal (p.Glu204*) in the NLRP12 gene. It is expected to result in an absent or disrupted protein product. However, the current clinical and genetic evidence is not sufficient to establish whether loss-of-function variants in NLRP12 cause disease. This variant is not present in population databases (gnomAD no frequency). This variant has not been reported in the literature in individuals affected with NLRP12-related conditions. ClinVar contains an entry for this variant (Variation ID: 3672282). In summary, the available evidence is currently insufficient to determine the role of this variant in disease. Therefore, it has been classified as a Variant of Uncertain Significance.

NM_144687.4(NLRP12):c.610G>T (p.Glu204Ter)

Gene: NLRP12 (NLR family pyrin domain containing 12; minus strand). Cytogenetic location: 19q13.42.
Variant type: single nucleotide variant.
Coding change: c.610G>T on transcript NM_144687.4 (MANE Select); coding-DNA position 610, G replaced by T.
Protein change: p.Glu204Ter; replaces glutamic acid 204 with a stop codon.
Molecular consequence: nonsense.
Genome position (GRCh38, 1-based): chr19:53,811,049, C>A on the plus strand (G>T on the coding strand, the complement: NLRP12 is on the minus strand). VCF-style: chr19-53811049-C-A. GRCh37 (hg19) VCF-style: chr19-54314303-C-A.
Other names: c.610G>T, p.Glu204Ter (NM_001277126.2, NM_001277129.1); short protein forms E204*.
Identifiers: ClinVar variation 3672282 (VCV003672282.2).
Genomic context (GRCh38, chr19:53,811,049, plus strand): 5'-ACTTGCCTATCCCTGCCGCGCCTTGCATGACCACGGTGCGCGGTGGCTCGGGGCGCTCCT[C>A]GTCTGGCTCAAAGAGGGTCTCTATCTTGATGGGGCTAGCCTGGTGTCCCACGGTCCTCGC-3'